The following is an entry in ClinVar:

NM_006180.6(NTRK2):c.284A>G (p.Asn95Ser)

Gene: NTRK2 (neurotrophic receptor tyrosine kinase 2; plus strand). Cytogenetic location: 9q21.33.
Variant type: single nucleotide variant.
Coding change: c.284A>G on transcript NM_006180.6 (MANE Select); coding-DNA position 284, A replaced by G.
Protein change: p.Asn95Ser; replaces asparagine 95 with serine.
Molecular consequence: missense variant. On other transcripts: 5 prime UTR variant (4).
Genome position (GRCh38, 1-based): chr9:84,702,230, A>G. VCF-style: chr9-84702230-A-G. GRCh37 (hg19) VCF-style: chr9-87317145-A-G.
Other names: c.284A>G, p.Asn95Ser (NM_001007097.3, NM_001018064.3, NM_001018065.2 and 18 more transcripts); c.-185A>G (NM_001369535.1, NM_001369536.1, NM_001369550.1 and 1 more transcripts); short protein forms N95S.
Identifiers: ClinVar variation 3905734 (VCV003905734.10).

ClinVar aggregate classification (germline): Uncertain significance (1 of 4 stars; one submission).

Submission:

CeGaT Center for Human Genetics Tuebingen
Classification: Uncertain significance. Last evaluated: 2025-05-01. Review status: criteria provided, single submitter. Criteria: CeGaT Center For Human Genetics Tuebingen Variant Classification Criteria Version 2. Collection method: clinical testing. Allele origin: germline. Affected: yes. Observed: 1 variant allele.
Comment: NTRK2: PM2, BP4